The following is an entry in ClinVar:

ClinVar aggregate classification (germline): Uncertain significance (1 of 4 stars; one submission).

Conditions:
Emery-Dreifuss muscular dystrophy 5, autosomal dominant (EDMD5). Also called: EMERY-DREIFUSS MUSCULAR DYSTROPHY 5. Identifiers: Orphanet 261, MedGen C2751805, MONDO:0013072, OMIM 612999.

Allele frequency attached by ClinVar (database versions not stated): gnomAD exomes below 0.00001; ExAC 0.00001; gnomAD 0.00001; TOPMed 0.00004.
gnomAD v4.1: 9 of 1,614,022 alleles (0.00056%); highest among the groups gnomAD compares: African/African-American, 0.0027%; no homozygotes.

Submission:

Labcorp Genetics (formerly Invitae), Labcorp
Classification: Uncertain significance for Emery-Dreifuss muscular dystrophy 5, autosomal dominant. Last evaluated: 2020-10-25. Review status: criteria provided, single submitter. Criteria: Invitae Variant Classification Sherloc (09022015). Collection method: clinical testing. Allele origin: germline.
Comment: In summary, the available evidence is currently insufficient to determine the role of this variant in disease. Therefore, it has been classified as a Variant of Uncertain Significance. Algorithms developed to predict the effect of missense changes on protein structure and function are either unavailable or do not agree on the potential impact of this missense change (SIFT: "Tolerated"; PolyPhen-2: "Possibly Damaging"; Align-GVGD: "Class C0"). This variant has not been reported in the literature in individuals with SYNE2-related conditions. This variant is present in population databases (rs760136466, ExAC 0.002%). This sequence change replaces threonine with isoleucine at codon 1397 of the SYNE2 protein (p.Thr1397Ile). The threonine residue is weakly conserved and there is a moderate physicochemical difference between threonine and isoleucine.

NM_182914.3(SYNE2):c.4190C>T (p.Thr1397Ile)

Gene: SYNE2 (spectrin repeat containing nuclear envelope protein 2; plus strand). Cytogenetic location: 14q23.2.
Variant type: single nucleotide variant.
Coding change: c.4190C>T on transcript NM_182914.3 (MANE Select); coding-DNA position 4190, C replaced by T.
Protein change: p.Thr1397Ile; replaces threonine 1397 with isoleucine.
Molecular consequence: missense variant.
Genome position (GRCh38, 1-based): chr14:64,003,123, C>T. VCF-style: chr14-64003123-C-T. GRCh37 (hg19) VCF-style: chr14-64469841-C-T.
Other names: c.4190C>T, p.Thr1397Ile (NM_015180.6); short protein forms T1397I.
Identifiers: ClinVar variation 1054244 (VCV001054244.9), dbSNP rs760136466, ClinGen allele CA7220153.